The following is an entry in ClinVar:

ClinVar aggregate classification (germline): Uncertain significance (1 of 4 stars; one submission).

Conditions:
Birt-Hogg-Dube syndrome. Also called: Birt Hogg Dubé syndrome. Identifiers: Orphanet 122, MedGen C0346010, MONDO:0800444.

gnomAD v4.1: 1 of 1,612,754 alleles (0.000062%); highest among the groups gnomAD compares: Non-Finnish European, 0.000085%; no homozygotes.

Submission:

Labcorp Genetics (formerly Invitae), Labcorp
Classification: Uncertain significance for Birt-Hogg-Dube syndrome. Last evaluated: 2025-11-17. Review status: criteria provided, single submitter. Criteria: Invitae Variant Classification Sherloc (09022015). Collection method: clinical testing. Allele origin: germline.
Comment: This sequence change replaces asparagine, which is neutral and polar, with serine, which is neutral and polar, at codon 2 of the FLCN protein (p.Asn2Ser). This variant is not present in population databases (gnomAD no frequency). This variant has not been reported in the literature in individuals affected with FLCN-related conditions. ClinVar contains an entry for this variant (Variation ID: 3692976). Invitae Evidence Modeling of protein sequence and biophysical properties (such as structural, functional, and spatial information, amino acid conservation, physicochemical variation, residue mobility, and thermodynamic stability) indicates that this missense variant is expected to disrupt FLCN protein function with a positive predictive value of 80%. In summary, the available evidence is currently insufficient to determine the role of this variant in disease. Therefore, it has been classified as a Variant of Uncertain Significance.

NM_144997.7(FLCN):c.5A>G (p.Asn2Ser)

Gene: FLCN (folliculin; minus strand). Cytogenetic location: 17p11.2.
Variant type: single nucleotide variant.
Coding change: c.5A>G on transcript NM_144997.7 (MANE Select); coding-DNA position 5, A replaced by G.
Protein change: p.Asn2Ser; replaces asparagine 2 with serine.
Molecular consequence: missense variant.
Genome position (GRCh38, 1-based): chr17:17,228,133, T>C on the plus strand (A>G on the coding strand, the complement: FLCN is on the minus strand). VCF-style: chr17-17228133-T-C. GRCh37 (hg19) VCF-style: chr17-17131447-T-C.
Other names: c.5A>G, p.Asn2Ser (NM_001353229.2, NM_001353230.2, NM_001353231.2 and 1 more transcripts); short protein forms N2S.
Identifiers: ClinVar variation 3692976 (VCV003692976.2).